The following is an entry in ClinVar:

NM_001165963.4(SCN1A):c.5092G>A (p.Glu1698Lys)

Genes: SCN1A (sodium voltage-gated channel alpha subunit 1; minus strand), LOC102724058 (uncharacterized LOC102724058; plus strand). Cytogenetic location: 2q24.3.
Variant type: single nucleotide variant.
Coding change: c.5092G>A on transcript NM_001165963.4 (MANE Select); coding-DNA position 5092, G replaced by A.
Protein change: p.Glu1698Lys; replaces glutamic acid 1698 with lysine.
Molecular consequence: missense variant. On other transcripts: non-coding transcript variant (1).
Genome position (GRCh38, 1-based): chr2:165,992,183, C>T on the plus strand (G>A on the coding strand, the complement: SCN1A is on the minus strand). VCF-style: chr2-165992183-C-T. GRCh37 (hg19) VCF-style: chr2-166848693-C-T.
Other names: c.5008G>A, p.Glu1670Lys (NM_001165964.3, NM_001353957.2, NM_001353958.2); c.5092G>A, p.Glu1698Lys (NM_001202435.3, NM_001353948.2); c.5059G>A, p.Glu1687Lys (NM_001353949.2, NM_001353950.2, NM_006920.6 and 2 more transcripts); c.5005G>A, p.Glu1669Lys (NM_001353960.2); c.2650G>A, p.Glu884Lys (NM_001353961.2); c.5056G>A, p.Glu1686Lys (NM_001353954.2, NM_001353955.2); short protein forms E1670K, E1686K, E1698K, E884K, E1687K, E1669K.
Identifiers: ClinVar variation 839613 (VCV000839613.11), dbSNP rs548487014, ClinGen allele CA1942695.

ClinVar aggregate classification (germline): Uncertain significance. Review status: criteria provided, multiple submitters, no conflicts (2 of 4 stars). 3 submissions from 3 submitters: Uncertain significance (3). Last evaluated 2025-05-22.

Conditions:
Migraine, familial hemiplegic, 3. Identifiers: Orphanet 569, MedGen C1864987, MONDO:0012320, OMIM 609634.
Generalized epilepsy with febrile seizures plus, type 2 (GEFSP2). Also called: GEFS+, TYPE 2. Identifiers: Orphanet 36387, MedGen C1858673, MONDO:0011461, OMIM 604403.
Developmental and epileptic encephalopathy 6B. Also called: Developmental and epileptic encephalopathy 6B, non-Dravet. Identifiers: MedGen C5543353, MONDO:0030268, OMIM 619317.
Severe myoclonic epilepsy in infancy (DRVT). Also called: SEVERE MYOCLONIC EPILEPSY OF INFANCY; DEVELOPMENTAL AND EPILEPTIC ENCEPHALOPATHY 6A; Severe Myoclonic Epilepsy in Infancy (SMEI); Dravet syndrome; Epileptic encephalopathy, early infantile, 6 (Dravet syndrome). Identifiers: Orphanet 33069, MedGen C0751122, MONDO:0100135, OMIM 607208.
Early-infantile DEE. Also called: Ohtahara syndrome; Early infantile epileptic encephalopathy; Early infantile epileptic encephalopathy with suppression bursts. Identifiers: Orphanet 1934, MedGen C0393706, MONDO:0800491.

Allele frequency attached by ClinVar (database versions not stated): gnomAD 0.00001; gnomAD exomes below 0.00001; TOPMed below 0.00001.
gnomAD v4.1: 2 of 1,613,722 alleles (0.00012%); highest among the groups gnomAD compares: African/African-American, 0.0027%; no homozygotes.

Submissions (3):

Labcorp Genetics (formerly Invitae), Labcorp
Classification: Uncertain significance for Early-infantile DEE. Last evaluated: 2025-05-22. Review status: criteria provided, single submitter. Criteria: Invitae Variant Classification Sherloc (09022015). Collection method: clinical testing. Allele origin: germline.
Comment: This sequence change replaces glutamic acid, which is acidic and polar, with lysine, which is basic and polar, at codon 1698 of the SCN1A protein (p.Glu1698Lys). This variant is present in population databases (rs548487014, gnomAD 0.007%). This variant has not been reported in the literature in individuals affected with SCN1A-related conditions. ClinVar contains an entry for this variant (Variation ID: 839613). Invitae Evidence Modeling of protein sequence and biophysical properties (such as structural, functional, and spatial information, amino acid conservation, physicochemical variation, residue mobility, and thermodynamic stability) indicates that this missense variant is expected to disrupt SCN1A protein function with a positive predictive value of 95%. In summary, the available evidence is currently insufficient to determine the role of this variant in disease. Therefore, it has been classified as a Variant of Uncertain Significance.

GeneDx
Classification: Uncertain significance. Last evaluated: 2024-11-26. Review status: criteria provided, single submitter. Criteria: GeneDx Variant Classification Process June 2021. Collection method: clinical testing. Allele origin: germline. Affected: yes.
Comment: Not observed at significant frequency in large population cohorts (gnomAD); In silico analysis supports that this missense variant has a deleterious effect on protein structure/function; Has not been previously published as pathogenic or benign to our knowledge; This substitution is predicted to be within the extracellular loop between the S5 and S6 transmembrane segments of the fourth homologous domain

Fulgent Genetics
Classification: Uncertain significance for Generalized epilepsy with febrile seizures plus, type 2; Severe myoclonic epilepsy in infancy; Migraine, familial hemiplegic, 3; Developmental and epileptic encephalopathy 6B. Last evaluated: 2022-01-16. Review status: criteria provided, single submitter. Criteria: ACMG Guidelines, 2015. Collection method: clinical testing. Allele origin: unknown.